The following is an entry in ClinVar:

ClinVar aggregate classification (germline): Conflicting classifications of pathogenicity. Review status: criteria provided, conflicting classifications (1 of 4 stars). 3 submissions from 3 submitters: Uncertain significance (2); Likely benign (1). Last evaluated 2025-12-31.

Conditions:
Dilated cardiomyopathy 1AA (CMD1AA). Also called: CARDIOMYOPATHY, DILATED, 1AA, WITH OR WITHOUT LEFT VENTRICULAR NONCOMPACTION; CARDIOMYOPATHY, FAMILIAL HYPERTROPHIC, 23, WITH OR WITHOUT LEFT VENTRICULAR NONCOMPACTION; Cardiomyopathy, dilated, 1AA, with or without LVNC. Identifiers: Orphanet 154, MedGen C2677338, MONDO:0012808, OMIM 612158.
Primary familial hypertrophic cardiomyopathy (HCM). Identifiers: Orphanet 99739, MedGen C0949658, MeSH D024741, MONDO:0024573. Inheritance: Various modes of inheritance.
Cardiovascular phenotype. Identifiers: MedGen CN230736.

Allele frequency attached by ClinVar (database versions not stated): gnomAD exomes below 0.00001 and 0.00001; gnomAD 0.00001; ExAC 0.00002; TOPMed 0.00002.
gnomAD v4.1: 7 of 1,614,022 alleles (0.00043%); highest among the groups gnomAD compares: African/African-American, 0.004%; no homozygotes.

Submissions (3):

Ambry Genetics
Classification: Likely benign for Cardiovascular phenotype. Last evaluated: 2025-12-31. Review status: criteria provided, single submitter. Criteria: Ambry Variant Classification Scheme 2023. Collection method: clinical testing. Allele origin: germline.

Mayo Clinic Laboratories, Mayo Clinic
Classification: Uncertain significance. Last evaluated: 2024-10-17. Review status: criteria provided, single submitter. Criteria: ACMG Guidelines, 2015. Collection method: clinical testing. Allele origin: germline. Observed: 2 variant alleles.
Comment: BP4, PM2_supporting

Labcorp Genetics (formerly Invitae), Labcorp
Classification: Uncertain significance for Primary familial hypertrophic cardiomyopathy; Dilated cardiomyopathy 1AA. Last evaluated: 2024-08-01. Review status: criteria provided, single submitter. Criteria: Invitae Variant Classification Sherloc (09022015). Collection method: clinical testing. Allele origin: germline.
Comment: This sequence change replaces isoleucine, which is neutral and non-polar, with valine, which is neutral and non-polar, at codon 649 of the ACTN2 protein (p.Ile649Val). This variant is present in population databases (rs759422747, gnomAD 0.003%). This variant has not been reported in the literature in individuals affected with ACTN2-related conditions. ClinVar contains an entry for this variant (Variation ID: 1466629). Advanced modeling of protein sequence and biophysical properties (such as structural, functional, and spatial information, amino acid conservation, physicochemical variation, residue mobility, and thermodynamic stability) performed at Invitae indicates that this missense variant is not expected to disrupt ACTN2 protein function with a negative predictive value of 80%. In summary, the available evidence is currently insufficient to determine the role of this variant in disease. Therefore, it has been classified as a Variant of Uncertain Significance.

NM_001103.4(ACTN2):c.1945A>G (p.Ile649Val)

Gene: ACTN2 (actinin alpha 2; plus strand). Cytogenetic location: 1q43.
Variant type: single nucleotide variant.
Coding change: c.1945A>G on transcript NM_001103.4 (MANE Select); coding-DNA position 1945, A replaced by G.
Protein change: p.Ile649Val; replaces isoleucine 649 with valine.
Molecular consequence: missense variant.
Genome position (GRCh38, 1-based): chr1:236,754,052, A>G. VCF-style: chr1-236754052-A-G. GRCh37 (hg19) VCF-style: chr1-236917352-A-G.
Other names: p.Ile649Val; c.1945A>G, p.Ile649Val (NM_001278343.2); c.1321A>G, p.Ile441Val (NM_001278344.2); c.1945A>G (NM_001103.3, NM_001103.2); short protein forms I441V, I649V.
Identifiers: ClinVar variation 1466629 (VCV001466629.13), dbSNP rs759422747, ClinGen allele CA1473287.